The following is an entry in ClinVar:

NM_001018005.2(TPM1):c.*68A>G

Gene: TPM1 (tropomyosin 1; plus strand). Cytogenetic location: 15q22.2.
Variant type: single nucleotide variant.
Coding change: c.*68A>G on transcript NM_001018005.2 (MANE Select); 68 bases downstream of the stop codon, A replaced by G.
Molecular consequence: 3 prime UTR variant. On other transcripts: missense variant (2), intron variant (10).
Genome position (GRCh38, 1-based): chr15:63,065,967, A>G. VCF-style: chr15-63065967-A-G. GRCh37 (hg19) VCF-style: chr15-63358166-A-G.
Other names: c.*116A>G (NM_000366.6, NM_001365779.1); c.*68A>G (NM_001301244.2, NM_001330346.2); c.844A>G, p.Ile282Val (NM_001365777.1); c.736A>G, p.Ile246Val (NM_001365780.1); c.*1821A>G (NM_001365781.2, NM_001365782.1); c.898+3322A>G (NM_001365778.1); c.772+3322A>G (NM_001018020.2, NM_001018007.2, NM_001018006.2 and 2 more transcripts); c.664+3322A>G (NM_001330351.2, NM_001330344.2, NM_001018008.2 and 1 more transcripts); short protein forms I246V, I282V.
Identifiers: ClinVar variation 316689 (VCV000316689.27), dbSNP rs374459540, ClinGen allele CA033108.

ClinVar aggregate classification (germline): Conflicting classifications of pathogenicity. Review status: criteria provided, conflicting classifications (1 of 4 stars). 10 submissions from 9 submitters: Uncertain significance (2); Benign (1); Likely benign (3). 4 of the submissions do not count toward it. Last evaluated 2026-05-01.

Conditions:
Dilated cardiomyopathy 1Y (CMD1Y). Identifiers: Orphanet 154, Orphanet 54260, MedGen C2678476, MONDO:0012744, OMIM 611878.
Hypertrophic cardiomyopathy 3. Also called: TPM1-Related Familial Hypertrophic Cardiomyopathy. Identifiers: MedGen C1861863, MONDO:0007267, OMIM 115196.
TPM1-related disorder. Also called: TPM1-related condition.

Allele frequency attached by ClinVar (database versions not stated): 1000 Genomes Project 30x 0.00031; gnomAD 0.00054; gnomAD exomes 0.00057 and 0.00096; TOPMed 0.00057; ESP Exome Variant Server 0.00066; ExAC 0.00073.
gnomAD v4.1: 1,434 of 1,591,622 alleles (0.09%); highest among the groups gnomAD compares: Non-Finnish European, 0.12%; 3 homozygotes.

Submissions (10):

CeGaT Center for Human Genetics Tuebingen
Classification: Likely benign. Last evaluated: 2026-05-01. Review status: criteria provided, single submitter. Criteria: CeGaT Center For Human Genetics Tuebingen Variant Classification Criteria Version 2. Collection method: clinical testing. Allele origin: germline. Affected: yes. Observed: 4 variant alleles.
Comment: TPM1: BS1

Molecular Diagnostic Laboratory for Inherited Cardiovascular Disease, Montreal Heart Institute
Classification: Likely benign. Last evaluated: 2025-04-09. Review status: criteria provided, single submitter. Criteria: ACMG Guidelines, 2015. Collection method: clinical testing. Allele origin: germline. Affected: no.

Blueprint Genetics
Classification: Likely benign. Last evaluated: 2023-02-16. Review status: criteria provided, single submitter. Criteria: ACMG Guidelines, 2015. Collection method: clinical testing. Allele origin: germline.

Illumina Laboratory Services, Illumina
Classification: Uncertain significance for Hypertrophic cardiomyopathy 3. Last evaluated: 2018-01-13. Review status: criteria provided, single submitter. Criteria: ICSL Variant Classification Criteria 13 December 2019. Collection method: clinical testing. Allele origin: germline.

Illumina Laboratory Services, Illumina
Classification: Uncertain significance for Dilated cardiomyopathy 1Y. Last evaluated: 2018-01-13. Review status: criteria provided, single submitter. Criteria: ICSL Variant Classification Criteria 13 December 2019. Collection method: clinical testing. Allele origin: germline.

GeneDx
Classification: Benign. Last evaluated: 2015-03-03. Review status: criteria provided, single submitter. Criteria: GeneDx Variant Classification Process June 2021. Collection method: clinical testing. Allele origin: germline. Affected: yes.

PreventionGenetics, part of Exact Sciences
Classification: Likely benign for TPM1-related condition. Last evaluated: 2020-04-13. Review status: no assertion criteria provided. Collection method: clinical testing. Allele origin: germline. Not counted in ClinVar's aggregate classification.
Comment: This variant is classified as likely benign based on ACMG/AMP sequence variant interpretation guidelines (Richards et al. 2015 PMID: 25741868, with internal and published modifications).

Clinical Genetics DNA and cytogenetics Diagnostics Lab, Erasmus MC, Erasmus Medical Center
Classification: Likely benign. Review status: no assertion criteria provided. Collection method: clinical testing. Allele origin: germline. Affected: yes. Study: VKGL Data-share Consensus. Not counted in ClinVar's aggregate classification.

Genome Diagnostics Laboratory, University Medical Center Utrecht
Classification: Likely benign. Review status: no assertion criteria provided. Collection method: clinical testing. Allele origin: germline. Affected: yes. Study: VKGL Data-share Consensus. Not counted in ClinVar's aggregate classification.

Joint Genome Diagnostic Labs from Nijmegen and Maastricht, Radboudumc and MUMC+
Classification: Likely benign. Review status: no assertion criteria provided. Collection method: clinical testing. Allele origin: germline. Affected: yes. Study: VKGL Data-share Consensus. Not counted in ClinVar's aggregate classification.